The following is an entry in ClinVar:

ClinVar aggregate classification (germline): Pathogenic (1 of 4 stars; one submission).

Conditions:
Cohen syndrome (COH1). Also called: PEPPER SYNDROME; Cutis verticis gyrata, retinitis pigmentosa, and sensorineural deafness. Identifiers: Orphanet 193, MedGen C0265223, MONDO:0008999, OMIM 216550.

Submission:

Juno Genomics, Hangzhou Juno Genomics, Inc
Classification: Pathogenic for Cohen syndrome. Review status: criteria provided, single submitter. Criteria: ACMG Guidelines, 2015. Collection method: clinical testing. Allele origin: germline. Affected: yes.
Comment: Absent from controls (or at extremely low frequency if recessive) in Genome Aggregation Database, Exome Sequencing Project, 1000 Genomes Project, or Exome Aggregation Consortium.;Null variant in a gene where loss of function (LOF) is a known mechanism of disease.;For recessive disorders, detected in trans with a pathogenic variant.

NM_152564.5(VPS13B):c.2448_2449dup (p.His817fs)

Gene: VPS13B (vacuolar protein sorting 13 homolog B; plus strand). Cytogenetic location: 8q22.2.
Variant type: Microsatellite.
Coding change: c.2448_2449dup on transcript NM_152564.5 (MANE Select); coding-DNA positions 2448 to 2449, 2 bases duplicated (TC; older notation c.2448_2449dupTC).
Protein change: p.His817fs; shifts the reading frame from histidine 817.
Molecular consequence: frameshift variant.
Genome position (GRCh38, 1-based): chr8:99,192,990-99,192,991, TC duplicated; duplicating any 2 consecutive bases within chr8:99,192,988-99,192,991 gives the same sequence; the c. name uses the placement nearest the transcript's 3' end. VCF-style (leftmost placement, unchanged base first): chr8-99192987-G-GTC. GRCh37 (hg19) VCF-style: chr8-100205215-G-GTC.
Other names: c.2448_2449dup, p.His817fs (NM_015243.3, NM_017890.5); short protein forms H817fs.
Identifiers: ClinVar variation 3382431 (VCV003382431.2).